The following is an entry in ClinVar:

NM_006269.2(RP1):c.5831A>G (p.Glu1944Gly)

Genes: RP1 (RP1 axonemal microtubule associated; plus strand), LOC126860392 (CDK7 strongly-dependent group 2 enhancer GRCh37_chr8:55541319-55542518; plus strand). Cytogenetic location: 8q12.1.
Variant type: single nucleotide variant.
Coding change: c.5831A>G on transcript NM_006269.2 (MANE Select); coding-DNA position 5831, A replaced by G.
Protein change: p.Glu1944Gly; replaces glutamic acid 1944 with glycine.
Molecular consequence: missense variant. On other transcripts: intron variant (1).
Genome position (GRCh38, 1-based): chr8:54,629,713, A>G. VCF-style: chr8-54629713-A-G. GRCh37 (hg19) VCF-style: chr8-55542273-A-G.
Other names: c.787+7425A>G (NM_001375654.1); short protein forms E1944G.
Identifiers: ClinVar variation 2789145 (VCV002789145.3), dbSNP rs2536591547, ClinGen allele CA370988242.
Genomic context (GRCh38, chr8:54,629,713, plus strand): 5'-TTATCCAACCCATGAATGAGGAAGACCGAGGATTTGCATATCGCAAAGAATCTGATATTG[A>G]AAATTTCTTGGGTTTTTATTTATGGATGAAAATACACCCATATTTACTTCAGACAGACAA-3'
Protein context (NP_006260.1, residues 1934-1954): GFAYRKESDI[Glu1944Gly]NFLGFYLWMK

ClinVar aggregate classification (germline): Uncertain significance (1 of 4 stars; one submission).

Submission:

Labcorp Genetics (formerly Invitae), Labcorp
Classification: Uncertain significance. Last evaluated: 2023-07-06. Review status: criteria provided, single submitter. Criteria: Invitae Variant Classification Sherloc (09022015). Collection method: clinical testing. Allele origin: germline.
Comment: This sequence change replaces glutamic acid, which is acidic and polar, with glycine, which is neutral and non-polar, at codon 1944 of the RP1 protein (p.Glu1944Gly). In summary, the available evidence is currently insufficient to determine the role of this variant in disease. Therefore, it has been classified as a Variant of Uncertain Significance. An algorithm developed to predict the effect of missense changes on protein structure and function (PolyPhen-2) suggests that this variant is likely to be disruptive. This variant has not been reported in the literature in individuals affected with RP1-related conditions. This variant is not present in population databases (gnomAD no frequency).